The following is an entry in ClinVar:

ClinVar aggregate classification (germline): Pathogenic (1 of 4 stars; one submission).

Conditions:
Retinoblastoma (RB1). Also called: RETINOBLASTOMA, SOMATIC. Identifiers: Orphanet 790, MedGen C0035335, MeSH D012175, MONDO:0008380, OMIM 180200, HP:0009919. Disease mechanism: loss of function. Inheritance: Both sporadic and heritable forms are tested..

Submission:

Labcorp Genetics (formerly Invitae), Labcorp
Classification: Pathogenic for Retinoblastoma. Last evaluated: 2018-07-17. Review status: criteria provided, single submitter. Criteria: Invitae Variant Classification Sherloc (09022015). Collection method: clinical testing. Allele origin: germline.
Comment: For these reasons, this variant has been classified as Pathogenic. In addition, a¬†similar deletion of¬†exons 25-26 of the RB1 gene has been reported in an individual affected with bilateral retinoblastoma (PMID: 24688104). Other gross deletions, affecting the same portion of the C-terminal region of the RB1 protein disrupted by the variant observed here, have been reported in individuals affected with bilateral retinoblastoma (PMID: 27582626). This suggests that disruption of this region of the protein is causative of disease. This variant is a sub-genic deletion of the genomic region encompassing exons 25-26 of the RB1 gene. While this deletion is not anticipated to result in nonsense mediated decay, it is expected to create a truncated protein product.

Literature cited by the submitters: PubMed 24688104; PubMed 27582626.

NC_000013.11:g.(?_48476691)_(48477414_?)del

Gene: RB1 (RB transcriptional corepressor 1; plus strand). Cytogenetic location: 13q14.2.
Variant type: Deletion.
Identifiers: ClinVar variation 584131 (VCV000584131.8).